The following is an entry in ClinVar:

NM_004385.5(VCAN):c.2429C>T (p.Thr810Ile)

Gene: VCAN (versican; plus strand). Cytogenetic location: 5q14.3.
Variant type: single nucleotide variant.
Coding change: c.2429C>T on transcript NM_004385.5 (MANE Select); coding-DNA position 2429, C replaced by T.
Protein change: p.Thr810Ile; replaces threonine 810 with isoleucine.
Molecular consequence: missense variant. On other transcripts: intron variant (2).
Genome position (GRCh38, 1-based): chr5:83,520,735, C>T. VCF-style: chr5-83520735-C-T. GRCh37 (hg19) VCF-style: chr5-82816554-C-T.
Other names: c.2429C>T, p.Thr810Ile (NM_001164098.2); c.1042+8339C>T (NM_001164097.2, NM_001126336.3); c.2429C>T (NM_004385.4); short protein forms T810I.
Identifiers: ClinVar variation 1388804 (VCV001388804.7), dbSNP rs969397788, ClinGen allele CA121792252.

ClinVar aggregate classification (germline): Conflicting classifications of pathogenicity. Review status: criteria provided, conflicting classifications (1 of 4 stars). 2 submissions from 2 submitters: Uncertain significance (1); Likely benign (1). Last evaluated 2025-12-03.

Conditions:
Inborn genetic diseases. Identifiers: MedGen C0950123, MeSH D030342.

Allele frequency attached by ClinVar (database versions not stated): gnomAD exomes below 0.00001; gnomAD 0.00001; TOPMed 0.00002.
gnomAD v4.1: 2 of 1,614,022 alleles (0.00012%); highest among the groups gnomAD compares: African/African-American, 0.0027%; no homozygotes.

Submissions (2):

Ambry Genetics
Classification: Likely benign for Inborn genetic diseases. Last evaluated: 2025-12-03. Review status: criteria provided, single submitter. Criteria: Ambry Variant Classification Scheme 2023. Collection method: clinical testing. Allele origin: germline.

Labcorp Genetics (formerly Invitae), Labcorp
Classification: Uncertain significance. Last evaluated: 2024-05-29. Review status: criteria provided, single submitter. Criteria: Invitae Variant Classification Sherloc (09022015). Collection method: clinical testing. Allele origin: germline.
Comment: This sequence change replaces threonine, which is neutral and polar, with isoleucine, which is neutral and non-polar, at codon 810 of the VCAN protein (p.Thr810Ile). This variant is not present in population databases (gnomAD no frequency). This variant has not been reported in the literature in individuals affected with VCAN-related conditions. ClinVar contains an entry for this variant (Variation ID: 1388804). Algorithms developed to predict the effect of missense changes on protein structure and function output the following: SIFT: "Not Available"; PolyPhen-2: "Benign"; Align-GVGD: "Not Available". The isoleucine amino acid residue is found in multiple mammalian species, which suggests that this missense change does not adversely affect protein function. In summary, the available evidence is currently insufficient to determine the role of this variant in disease. Therefore, it has been classified as a Variant of Uncertain Significance.